The following is an entry in ClinVar:

NM_182961.4(SYNE1):c.23979-2A>G

Gene: SYNE1 (spectrin repeat containing nuclear envelope protein 1; minus strand). Cytogenetic location: 6q25.2.
Variant type: single nucleotide variant.
Coding change: c.23979-2A>G on transcript NM_182961.4 (MANE Select); the canonical splice acceptor site of the intron before coding-DNA position 23979, A replaced by G.
Molecular consequence: splice acceptor variant.
Genome position (GRCh38, 1-based): chr6:152,155,044, T>C on the plus strand (A>G on the coding strand, the complement: SYNE1 is on the minus strand). VCF-style: chr6-152155044-T-C. GRCh37 (hg19) VCF-style: chr6-152476179-T-C.
Other names: c.23766-2A>G (NM_033071.5); c.585-2A>G (NM_001347701.2); c.444-2A>G (NM_001347702.2); c.23979-2A>G (NM_182961.2).
Identifiers: ClinVar variation 502723 (VCV000502723.6), dbSNP rs1362058277, ClinGen allele CA366087986.

ClinVar aggregate classification (germline): Pathogenic. Review status: criteria provided, multiple submitters, no conflicts (2 of 4 stars). 2 submissions from 2 submitters: Pathogenic (2). Last evaluated 2023-11-01.

Allele frequency attached by ClinVar (database versions not stated): gnomAD exomes below 0.00001; TOPMed below 0.00001; gnomAD 0.00001.
gnomAD v4.1: 1 of 1,613,998 alleles (0.000062%); highest among the groups gnomAD compares: Non-Finnish European, 0.000085%; no homozygotes.

Submissions (2):

Athena Diagnostics
Classification: Pathogenic. Last evaluated: 2023-11-01. Review status: criteria provided, single submitter. Criteria: Athena Diagnostics Criteria. Collection method: clinical testing. Allele origin: unknown.
Comment: This variant is expected to severely impact normal RNA splicing, and consequently, protein structure and/or function. The frequency of this variant in the general population is consistent with pathogenicity. This variant has been identified in at least one individual tested at Athena Diagnostics with clinical features associated with this gene.

Eurofins Ntd Llc (ga)
Classification: Pathogenic. Last evaluated: 2017-06-27. Review status: criteria provided, single submitter. Criteria: EGL Classification Definitions 2015. Collection method: clinical testing. Allele origin: germline. Observed: 1 variant allele, 1 heterozygote.